The following is an entry in ClinVar:

ClinVar aggregate classification (germline): Benign. Review status: criteria provided, multiple submitters, no conflicts (2 of 4 stars). 8 submissions from 8 submitters: Benign (6). 2 of the submissions do not count toward it. Last evaluated 2026-02-02.

Conditions:
Holoprosencephaly 11 (HPE11). Identifiers: Orphanet 2162, MedGen C3280215, MONDO:0013642, OMIM 614226.

Allele frequency attached by ClinVar (database versions not stated): gnomAD exomes 0.25616; ExAC 0.25817; 1000 Genomes Project 0.26817; 1000 Genomes Project 30x 0.27233; gnomAD 0.31453 and 0.32369; TOPMed 0.31750; ESP Exome Variant Server 0.33400.
gnomAD v4.1: 438,726 of 1,613,738 alleles (27%); highest among the groups gnomAD compares: African/African-American, 46%; 62,723 homozygotes.

Submissions (8):

Labcorp Genetics (formerly Invitae), Labcorp
Classification: Benign for Holoprosencephaly 11. Last evaluated: 2026-02-02. Review status: criteria provided, single submitter. Criteria: Invitae Variant Classification Sherloc (09022015). Collection method: clinical testing. Allele origin: germline.

Blueprint Genetics
Classification: Benign. Last evaluated: 2024-11-27. Review status: criteria provided, single submitter. Criteria: ACMG Guidelines, 2015. Collection method: clinical testing. Allele origin: germline.

GeneDx
Classification: Benign. Last evaluated: 2018-11-10. Review status: criteria provided, single submitter. Criteria: GeneDx Variant Classification Process June 2021. Collection method: clinical testing. Allele origin: germline. Affected: yes.

Illumina Laboratory Services, Illumina
Classification: Benign for Holoprosencephaly 11. Last evaluated: 2018-01-12. Review status: criteria provided, single submitter. Criteria: ICSL Variant Classification Criteria 13 December 2019. Collection method: clinical testing. Allele origin: germline.
Comment: This variant was observed in the ICSL laboratory as part of a predisposition screen in an ostensibly healthy population. It had not been previously curated by ICSL or reported in the Human Gene Mutation Database (HGMD: prior to June 1st, 2018), and was therefore a candidate for classification through an automated scoring system. Utilizing variant allele frequency, disease prevalence and penetrance estimates, and inheritance mode, an automated score was calculated to assess if this variant is too frequent to cause the disease. Based on the score and internal cut-off values, a variant classified as benign is not then subjected to further curation. The score for this variant resulted in a classification of benign for this disease.

Breakthrough Genomics
Classification: Benign. Review status: criteria provided, single submitter. Criteria: ACMG Guidelines, 2015. Collection method: not provided. Allele origin: germline. Inheritance: Autosomal dominant inheritance. Affected: yes.

PreventionGenetics, part of Exact Sciences
Classification: Benign. Review status: criteria provided, single submitter. Criteria: ACMG Guidelines, 2015. Collection method: clinical testing. Allele origin: germline.

Clinical Genetics, Academic Medical Center
Classification: Benign. Review status: no assertion criteria provided. Collection method: clinical testing. Allele origin: germline. Affected: yes. Study: VKGL Data-share Consensus. Not counted in ClinVar's aggregate classification.

Diagnostic Laboratory, Department of Genetics, University Medical Center Groningen
Classification: Benign. Review status: no assertion criteria provided. Collection method: clinical testing. Allele origin: germline. Affected: yes. Study: VKGL Data-share Consensus. Not counted in ClinVar's aggregate classification.

NM_001378964.1(CDON):c.3165T>C (p.Asn1055=)

Gene: CDON (cell adhesion associated, oncogene regulated; minus strand). Cytogenetic location: 11q24.2.
Variant type: single nucleotide variant.
Coding change: c.3165T>C on transcript NM_001378964.1 (MANE Select); coding-DNA position 3165, T replaced by C.
Protein change: p.Asn1055=; no amino-acid change (asparagine 1055 retained).
Molecular consequence: synonymous variant.
Genome position (GRCh38, 1-based): chr11:125,981,160, A>G on the plus strand (T>C on the coding strand, the complement: CDON is on the minus strand). VCF-style: chr11-125981160-A-G. GRCh37 (hg19) VCF-style: chr11-125851055-A-G.
Other names: c.3165T>C, p.Asn1055= (NM_001243597.3, NM_016952.6).
Identifiers: ClinVar variation 260792 (VCV000260792.20), dbSNP rs564214, ClinGen allele CA6351495.